The following is an entry in ClinVar:

NM_000465.4(BARD1):c.2013G>A (p.Leu671=)

Gene: BARD1 (BRCA1 associated RING domain 1; minus strand). Cytogenetic location: 2q35.
Variant type: single nucleotide variant.
Coding change: c.2013G>A on transcript NM_000465.4 (MANE Select); coding-DNA position 2013, G replaced by A.
Protein change: p.Leu671=; no amino-acid change (leucine 671 retained).
Molecular consequence: synonymous variant. On other transcripts: non-coding transcript variant (3).
Genome position (GRCh38, 1-based): chr2:214,728,997, C>T on the plus strand (G>A on the coding strand, the complement: BARD1 is on the minus strand). VCF-style: chr2-214728997-C-T. GRCh37 (hg19) VCF-style: chr2-215593721-C-T.
Other names: c.1956G>A, p.Leu652= (NM_001282543.2); c.660G>A, p.Leu220= (NM_001282545.2); c.603G>A, p.Leu201= (NM_001282548.2); c.474G>A, p.Leu158= (NM_001282549.2).
Identifiers: ClinVar variation 184714 (VCV000184714.22), dbSNP rs759021562, ClinGen allele CA189807.

ClinVar aggregate classification (germline): Benign/Likely benign. Review status: criteria provided, multiple submitters, no conflicts (2 of 4 stars). 7 submissions from 7 submitters: Benign (1); Likely benign (6). Last evaluated 2025-08-13.

Conditions:
Hereditary cancer-predisposing syndrome. Also called: Hereditary neoplastic syndrome; Neoplastic Syndromes, Hereditary; Tumor predisposition; Hereditary Cancer Syndrome. Identifiers: Orphanet 140162, MedGen C0027672, MeSH D009386, MONDO:0015356.
Familial cancer of breast. Also called: BREAST CANCER, FAMILIAL; Hereditary breast cancer; hereditary breast carcinoma. Identifiers: Orphanet 227535, MedGen C0346153, MONDO:0016419, OMIM 114480. Disease mechanism: loss of function.

Allele frequency attached by ClinVar (database versions not stated): gnomAD 0.00001; gnomAD exomes 0.00002; ExAC 0.00003.
gnomAD v4.1: 26 of 1,614,002 alleles (0.0016%); highest among the groups gnomAD compares: Non-Finnish European, 0.0022%; no homozygotes.

Submissions (7):

Labcorp Genetics (formerly Invitae), Labcorp
Classification: Likely benign for Familial cancer of breast. Last evaluated: 2025-08-13. Review status: criteria provided, single submitter. Criteria: Invitae Variant Classification Sherloc (09022015). Collection method: clinical testing. Allele origin: germline.

Center for Genomic Medicine, Rigshospitalet, Copenhagen University Hospital
Classification: Likely benign. Last evaluated: 2025-03-04. Review status: criteria provided, single submitter. Criteria: ACMG Guidelines, 2015. Collection method: clinical testing. Allele origin: germline.

Women's Health and Genetics/Laboratory Corporation of America, LabCorp
Classification: Likely benign. Last evaluated: 2025-02-06. Review status: criteria provided, single submitter. Criteria: LabCorp Variant Classification Summary - May 2015. Collection method: clinical testing. Allele origin: germline.

Myriad Genetics, Inc.
Classification: Benign for Familial cancer of breast. Last evaluated: 2024-07-29. Review status: criteria provided, single submitter. Criteria: Myriad Autosomal Dominant, Autosomal Recessive and X-Linked Classification Criteria (2023). Collection method: clinical testing. Allele origin: unknown.
Comment: This variant is considered benign. This variant is a silent/synonymous amino acid change and it is not expected to impact splicing.

GeneDx
Classification: Likely benign. Last evaluated: 2017-01-18. Review status: criteria provided, single submitter. Criteria: GeneDx Variant Classification (06012015). Collection method: clinical testing. Allele origin: germline. Affected: yes.
Comment: This variant is considered likely benign or benign based on one or more of the following criteria: it is a conservative change, it occurs at a poorly conserved position in the protein, it is predicted to be benign by multiple in silico algorithms, and/or has population frequency not consistent with disease.

Color Diagnostics, LLC DBA Color Health
Classification: Likely benign for Hereditary cancer-predisposing syndrome. Last evaluated: 2016-05-12. Review status: criteria provided, single submitter. Criteria: ACMG Guidelines, 2015. Collection method: clinical testing. Allele origin: germline.

Ambry Genetics
Classification: Likely benign for Hereditary cancer-predisposing syndrome. Last evaluated: 2015-04-08. Review status: criteria provided, single submitter. Criteria: Ambry Variant Classification Scheme 2023. Collection method: clinical testing. Allele origin: germline.